The following is an entry in ClinVar:

NM_001903.5(CTNNA1):c.67C>T (p.Leu23=)

Gene: CTNNA1 (catenin alpha 1; plus strand). Cytogenetic location: 5q31.2.
Variant type: single nucleotide variant.
Coding change: c.67C>T on transcript NM_001903.5 (MANE Select); coding-DNA position 67, C replaced by T.
Protein change: p.Leu23=; no amino-acid change (leucine 23 retained).
Molecular consequence: synonymous variant. On other transcripts: 5 prime UTR variant (2).
Genome position (GRCh38, 1-based): chr5:138,781,991, C>T. VCF-style: chr5-138781991-C-T. GRCh37 (hg19) VCF-style: chr5-138117680-C-T.
Other names: c.67C>T, p.Leu23= (NM_001290307.3, NM_001323982.2, NM_001323983.1 and 3 more transcripts); c.-47C>T (NM_001290309.3); c.-140C>T (NM_001290310.3).
Identifiers: ClinVar variation 1131309 (VCV001131309.10), dbSNP rs1755163009, ClinGen allele CA446724782.
Genomic context (GRCh38, chr5:138,781,991, plus strand): 5'-GCTGTCCATGCAGGCAACATAAACTTCAAGTGGGATCCTAAAAGTCTAGAGATCAGGACT[C>T]TGGCAGTTGAGAGACTGTTGGAGCCTCTTGTTACACAGGTAAGAATCTGAAAACACAAAT-3'
Protein context (NP_001894.2, residues 13-33): WDPKSLEIRT[Leu23=]AVERLLEPLV

ClinVar aggregate classification (germline): Benign/Likely benign. Review status: criteria provided, multiple submitters, no conflicts (2 of 4 stars). 2 submissions from 2 submitters: Benign (1); Likely benign (1). Last evaluated 2024-10-09.

Conditions:
Hereditary diffuse gastric adenocarcinoma (HDGC). Also called: DIFFUSE GASTRIC AND LOBULAR BREAST CANCER SYNDROME. Identifiers: Orphanet 26106, MedGen C1708349, MONDO:0007648, OMIM 137215.

Submissions (2):

Myriad Genetics, Inc.
Classification: Benign for Hereditary diffuse gastric adenocarcinoma. Last evaluated: 2024-10-09. Review status: criteria provided, single submitter. Criteria: Myriad Autosomal Dominant, Autosomal Recessive and X-Linked Classification Criteria (2023). Collection method: clinical testing. Allele origin: unknown.
Comment: This variant is considered benign. This variant is a silent/synonymous amino acid change and it is not expected to impact splicing.

Labcorp Genetics (formerly Invitae), Labcorp
Classification: Likely benign. Last evaluated: 2024-04-11. Review status: criteria provided, single submitter. Criteria: Invitae Variant Classification Sherloc (09022015). Collection method: clinical testing. Allele origin: germline.